The following is an entry in ClinVar:

ClinVar aggregate classification (germline): Uncertain significance (1 of 4 stars; one submission).

Allele frequency attached by ClinVar (database versions not stated): TOPMed below 0.00001; gnomAD 0.00001; ExAC 0.00002; 1000 Genomes Project 30x 0.00016; 1000 Genomes Project 0.00020.
gnomAD v4.1: 8 of 1,612,540 alleles (0.0005%); highest among the groups gnomAD compares: Admixed American, 0.013%; no homozygotes.

Submission:

Labcorp Genetics (formerly Invitae), Labcorp
Classification: Uncertain significance. Last evaluated: 2022-02-12. Review status: criteria provided, single submitter. Criteria: Invitae Variant Classification Sherloc (09022015). Collection method: clinical testing. Allele origin: germline.
Comment: In summary, the available evidence is currently insufficient to determine the role of this variant in disease. Therefore, it has been classified as a Variant of Uncertain Significance. Algorithms developed to predict the effect of missense changes on protein structure and function (SIFT, PolyPhen-2, Align-GVGD) all suggest that this variant is likely to be disruptive. This variant has not been reported in the literature in individuals affected with MPDZ-related conditions. This variant is present in population databases (rs553623826, gnomAD 0.01%). This sequence change replaces glycine, which is neutral and non-polar, with valine, which is neutral and non-polar, at codon 336 of the MPDZ protein (p.Gly336Val).

NM_001378778.1(MPDZ):c.1007G>T (p.Gly336Val)

Gene: MPDZ (multiple PDZ domain crumbs cell polarity complex component; minus strand). Cytogenetic location: 9p23.
Variant type: single nucleotide variant.
Coding change: c.1007G>T on transcript NM_001378778.1 (MANE Select); coding-DNA position 1007, G replaced by T.
Protein change: p.Gly336Val; replaces glycine 336 with valine.
Molecular consequence: missense variant.
Genome position (GRCh38, 1-based): chr9:13,219,638, C>A on the plus strand (G>T on the coding strand, the complement: MPDZ is on the minus strand). VCF-style: chr9-13219638-C-A. GRCh37 (hg19) VCF-style: chr9-13219637-C-A.
Other names: c.1007G>T, p.Gly336Val (NM_001261406.2, NM_001261407.2, NM_001330637.2 and 14 more transcripts); short protein forms G336V.
Identifiers: ClinVar variation 1907370 (VCV001907370.5), dbSNP rs553623826, ClinGen allele CA4987942.
Genomic context (GRCh38, chr9:13,219,638, plus strand): 5'-GTTGGGGATGAGGAGAGGGTGATGCCCAAAGCAGTGGGTGCTGTACGTTCTTCTATGGCA[C>A]CTCTTGCAATCATCAACTTAACTCTATTTCCACATTGCCTAAGGACTTGTGCTACTTGCT-3'
Protein context (NP_001365707.1, residues 326-346): GNRVKLMIAR[Gly336Val]AIEERTAPTA